The following is an entry in ClinVar:

NM_001195263.2(PDZD7):c.3083C>A (p.Pro1028His)

Gene: PDZD7 (PDZ domain containing 7; minus strand). Cytogenetic location: 10q24.31.
Variant type: single nucleotide variant.
Coding change: c.3083C>A on transcript NM_001195263.2 (MANE Select); coding-DNA position 3083, C replaced by A.
Protein change: p.Pro1028His; replaces proline 1028 with histidine.
Molecular consequence: missense variant.
Genome position (GRCh38, 1-based): chr10:101,008,486, G>T on the plus strand (C>A on the coding strand, the complement: PDZD7 is on the minus strand). VCF-style: chr10-101008486-G-T. GRCh37 (hg19) VCF-style: chr10-102768243-G-T.
Other names: short protein forms P1028H.
Identifiers: ClinVar variation 1714732 (VCV001714732.5), dbSNP rs2492768099, ClinGen allele CA378222730.

ClinVar aggregate classification (germline): Uncertain significance (1 of 4 stars; one submission).

Submission:

Labcorp Genetics (formerly Invitae), Labcorp
Classification: Uncertain significance. Last evaluated: 2022-08-20. Review status: criteria provided, single submitter. Criteria: Invitae Variant Classification Sherloc (09022015). Collection method: clinical testing. Allele origin: germline.
Comment: In summary, the available evidence is currently insufficient to determine the role of this variant in disease. Therefore, it has been classified as a Variant of Uncertain Significance. Algorithms developed to predict the effect of missense changes on protein structure and function are either unavailable or do not agree on the potential impact of this missense change (SIFT: "Deleterious"; PolyPhen-2: "Not Available"; Align-GVGD: "Class C0"). This variant has not been reported in the literature in individuals affected with PDZD7-related conditions. This variant is not present in population databases (gnomAD no frequency). This sequence change replaces proline, which is neutral and non-polar, with histidine, which is basic and polar, at codon 1028 of the PDZD7 protein (p.Pro1028His).